The following is an entry in ClinVar:

NM_144670.6(A2ML1):c.3108-3dup

Gene: A2ML1 (alpha-2-macroglobulin like 1; plus strand). Cytogenetic location: 12p13.31.
Variant type: Duplication.
Coding change: c.3108-3dup on transcript NM_144670.6 (MANE Select); 3 bases into the intron before coding-DNA position 3108, one base duplicated (T; older notation c.3108-3dupT).
Molecular consequence: intron variant.
Genome position (GRCh38, 1-based): chr12:8,857,943, T duplicated. VCF-style (leftmost placement, unchanged base first): chr12-8857942-G-GT. GRCh37 (hg19) VCF-style: chr12-9010538-G-GT.
Other names: c.3108-3dup (NM_144670.4); c.1635-3dup (NM_001282424.3); c.3108-3dupT (NM_144670.4).
Identifiers: ClinVar variation 252784 (VCV000252784.14), dbSNP rs142794811, ClinGen allele CA6436270.

ClinVar aggregate classification (germline): Benign. Review status: criteria provided, multiple submitters, no conflicts (2 of 4 stars). 5 submissions from 5 submitters: Benign (5). Last evaluated 2026-02-03.

Conditions:
Otitis media, susceptibility to (OMS). Also called: COME/ROM; OTITIS MEDIA, CHRONIC/RECURRENT. Identifiers: MedGen C1833692, MONDO:0008162, OMIM 166760.

Allele frequency attached by ClinVar (database versions not stated): ESP Exome Variant Server 0.00206; gnomAD exomes 0.00821 and 0.02548; gnomAD 0.00828 and 0.00940; TOPMed 0.01546; ExAC 0.02143; 1000 Genomes Project 30x 0.02545; 1000 Genomes Project 0.02596.

Submissions (5):

Labcorp Genetics (formerly Invitae), Labcorp
Classification: Benign. Last evaluated: 2026-02-03. Review status: criteria provided, single submitter. Criteria: Invitae Variant Classification Sherloc (09022015). Collection method: clinical testing. Allele origin: germline.

Fulgent Genetics
Classification: Benign for Otitis media, susceptibility to. Last evaluated: 2021-11-04. Review status: criteria provided, single submitter. Criteria: ACMG Guidelines, 2015. Collection method: clinical testing. Allele origin: unknown.

Women's Health and Genetics/Laboratory Corporation of America, LabCorp
Classification: Benign. Last evaluated: 2019-08-19. Review status: criteria provided, single submitter. Criteria: LabCorp Variant Classification Summary - May 2015. Collection method: clinical testing. Allele origin: germline.
Comment: Variant summary: A2ML1 c.3108-3dupT alters a non-conserved nucleotide located close to a canonical splice site and therefore could affect mRNA splicing, leading to a significantly altered protein sequence. 4/5 computational tools predict no significant impact on normal splicing. However, these predictions have yet to be confirmed by functional studies. The variant allele was found at a frequency of 0.024 in 280586 control chromosomes in the gnomAD database, including 417 homozygotes. The observed variant frequency is approximately 5937-folds over the estimated maximal expected allele frequency for a pathogenic variant in A2ML1 causing Noonan Syndrome phenotype (4e-06), strongly suggesting that the variant is benign. Three ClinVar submissions (evaluation after 2014) cite the variant as benign. Based on the evidence outlined above, the variant was classified as benign.

GeneDx
Classification: Benign. Last evaluated: 2017-07-14. Review status: criteria provided, single submitter. Criteria: GeneDx Variant Classification (06012015). Collection method: clinical testing. Allele origin: germline. Affected: yes.
Comment: This variant is considered likely benign or benign based on one or more of the following criteria: it is a conservative change, it occurs at a poorly conserved position in the protein, it is predicted to be benign by multiple in silico algorithms, and/or has population frequency not consistent with disease.

Genomic Diagnostic Laboratory, Division of Genomic Diagnostics, Children's Hospital of Philadelphia
Classification: Benign. Last evaluated: 2015-11-20. Review status: criteria provided, single submitter. Criteria: DGD Variant Analysis Guidelines. Collection method: clinical testing. Allele origin: unknown.